The following is an entry in ClinVar:

NM_001371596.2(MFSD8):c.1107G>C (p.Leu369Phe)

Gene: MFSD8 (major facilitator superfamily domain containing 8; minus strand). Cytogenetic location: 4q28.2.
Variant type: single nucleotide variant.
Coding change: c.1107G>C on transcript NM_001371596.2 (MANE Select); coding-DNA position 1107, G replaced by C.
Protein change: p.Leu369Phe; replaces leucine 369 with phenylalanine.
Molecular consequence: missense variant.
Genome position (GRCh38, 1-based): chr4:127,921,767, C>G on the plus strand (G>C on the coding strand, the complement: MFSD8 is on the minus strand). VCF-style: chr4-127921767-C-G. GRCh37 (hg19) VCF-style: chr4-128842922-C-G.
Other names: c.906G>C, p.Leu302Phe (NM_001363520.3); c.792G>C, p.Leu264Phe (NM_001363521.3); c.972G>C, p.Leu324Phe (NM_001371590.2); c.1107G>C, p.Leu369Phe (NM_001371591.2, NM_152778.4); c.1113G>C, p.Leu371Phe (NM_001371592.2); c.993G>C, p.Leu331Phe (NM_001371593.2); c.960G>C, p.Leu320Phe (NM_001371594.2); c.825G>C, p.Leu275Phe (NM_001371595.1); and 3 more; short protein forms L369F, L302F, L264F, L275F, L320F, L324F, L331F, L371F.
Identifiers: ClinVar variation 347542 (VCV000347542.18), dbSNP rs747197852, ClinGen allele CA3077283.
Genomic context (GRCh38, chr4:127,921,767, plus strand): 5'-AGACTTCCAAAGACCAATAATAATTTCCCCAAATGTGGTATTAGGGATTGAATTATTGTG[C>G]AAATCTGTAAAAACAAAACCATTGCAGTGCATTACTTGTTGATTTTAGATAAATAACAGA-3'
Protein context (NP_001358525.1, residues 359-379): NQFPKIQWED[Leu369Phe]HNNSIPNTTF

ClinVar aggregate classification (germline): Uncertain significance. Review status: criteria provided, multiple submitters, no conflicts (2 of 4 stars). 7 submissions from 7 submitters: Uncertain significance (6). 1 of the submissions does not count toward it. Last evaluated 2026-01-27.

Conditions:
Neuronal ceroid lipofuscinosis 7 (CLN7). Also called: MFSD8-Related Neuronal Ceroid-Lipofuscinosis. Identifiers: Orphanet 168491, Orphanet 228366, MedGen C1838571, MONDO:0012588, OMIM 610951.
Macular dystrophy with central cone involvement (CCMD). Identifiers: MedGen C4015371, MONDO:0014515, OMIM 616170.
Late-infantile neuronal ceroid lipofuscinosis. Also called: Jansky-Bielschowsky disease. Identifiers: MedGen C0022340, MONDO:0015674.

Allele frequency attached by ClinVar (database versions not stated): gnomAD exomes 0.00001 and 0.00003; ExAC 0.00002; gnomAD 0.00002; TOPMed 0.00004.
gnomAD v4.1: 21 of 1,613,944 alleles (0.0013%); highest among the groups gnomAD compares: Admixed American, 0.0033%; no homozygotes.

Submissions (7):

GeneDx
Classification: Uncertain significance. Last evaluated: 2026-01-27. Review status: criteria provided, single submitter. Criteria: GeneDx Variant Classification Process June 2021. Collection method: clinical testing. Allele origin: germline. Affected: yes.
Comment: Not observed at significant frequency in large population cohorts (gnomAD); In silico analysis suggests that this missense variant does not alter protein structure/function; Has not been previously published as pathogenic or benign to our knowledge

Blueprint Genetics
Classification: Uncertain significance. Last evaluated: 2024-10-07. Review status: criteria provided, single submitter. Criteria: ACMG Guidelines, 2015. Collection method: clinical testing. Allele origin: germline.

Labcorp Genetics (formerly Invitae), Labcorp
Classification: Uncertain significance for Neuronal ceroid lipofuscinosis 7. Last evaluated: 2022-08-16. Review status: criteria provided, single submitter. Criteria: Invitae Variant Classification Sherloc (09022015). Collection method: clinical testing. Allele origin: germline.
Comment: This sequence change replaces leucine, which is neutral and non-polar, with phenylalanine, which is neutral and non-polar, at codon 369 of the MFSD8 protein (p.Leu369Phe). This variant is present in population databases (rs747197852, gnomAD 0.007%). This variant has not been reported in the literature in individuals affected with MFSD8-related conditions. ClinVar contains an entry for this variant (Variation ID: 347542). Algorithms developed to predict the effect of missense changes on protein structure and function are either unavailable or do not agree on the potential impact of this missense change (SIFT: "Tolerated"; PolyPhen-2: "Probably Damaging"; Align-GVGD: "Class C0"). In summary, the available evidence is currently insufficient to determine the role of this variant in disease. Therefore, it has been classified as a Variant of Uncertain Significance.

Fulgent Genetics
Classification: Uncertain significance for Neuronal ceroid lipofuscinosis 7; Macular dystrophy with central cone involvement. Last evaluated: 2022-01-19. Review status: criteria provided, single submitter. Criteria: ACMG Guidelines, 2015. Collection method: clinical testing. Allele origin: unknown.

Athena Diagnostics
Classification: Uncertain significance. Last evaluated: 2020-11-17. Review status: criteria provided, single submitter. Criteria: Athena Diagnostics criteria. Collection method: clinical testing. Allele origin: unknown.

Illumina Laboratory Services, Illumina
Classification: Uncertain significance for Neuronal ceroid lipofuscinosis 7. Last evaluated: 2018-01-12. Review status: criteria provided, single submitter. Criteria: ICSL Variant Classification Criteria 13 December 2019. Collection method: clinical testing. Allele origin: germline.

Natera, Inc.
Classification: Uncertain significance for Late-infantile neuronal ceroid lipofuscinosis. Last evaluated: 2019-11-11. Review status: no assertion criteria provided. Collection method: clinical testing. Allele origin: germline. Not counted in ClinVar's aggregate classification.